The following is an entry in ClinVar:

ClinVar aggregate classification (germline): Likely pathogenic (1 of 4 stars; one submission).
ClinVar aggregate classification (somatic clinical impact): Tier II - Potential (1 of 4 stars; one submission).

Conditions:
CHARGE syndrome (CHARGE). Also called: Hittner Hirsch Kreh syndrome; CHARGE ASSOCIATION--COLOBOMA, HEART ANOMALY, CHOANAL ATRESIA, RETARDATION, GENITAL AND EAR ANOMALIES; Coloboma, heart anomaly, choanal atresia, retardation, genital and ear anomalies; CHARGE association; Hall-Hittner syndrome. Identifiers: Orphanet 138, MedGen C0265354, MONDO:0008965.
Medulloblastoma (MDB). Also called: Medulloblastoma, somatic; MEDULLOBLASTOMA PREDISPOSITION SYNDROME. Identifiers: Orphanet 616, MedGen C0025149, MeSH D008527, MONDO:0007959, OMIM 155255, HP:0002885.

Submissions (2):

Institute for Genomic Medicine (IGM) Clinical Laboratory, Nationwide Children's Hospital
Classification: Tier II - Potential for Medulloblastoma. Assertion type: diagnostic. Clinical significance: supports diagnosis. Last evaluated: 2025-10-29. Review status: criteria provided, single submitter. Criteria: AMP/ASCO/CAP Guidelines, 2017. Collection method: clinical testing. Allele origin: somatic. Affected: yes.
Comment: Variant has Tier II (potential) clinical significance as a diagnostic inclusion criterion in medulloblastoma, based on the following evidence: 1) Documented in one or more cancer databases (e.g., St. Jude Pecan, COSMIC, CIViC, OncoKB). 2) Information in the literature supports potential biologic effect of variant (PMID: 40393452). 3) Diagnostic significance based on multiple small studies (Evidence Level C; PMIDs: 22722829, 28726821, 33741928, 40393452).

Molecular Genetics Laboratory, Motol Hospital
Classification: Likely pathogenic for CHD7-related CHARGE syndrome. Last evaluated: 2024-10-24. Review status: criteria provided, single submitter. Criteria: ACMG Guidelines, 2015. Collection method: clinical testing. Allele origin: germline. Affected: yes. Observed: 1 variant allele.
Comment: De novo truncating variations (nonsense, frameshift) leading to haploinsufficiency were well documented as causative in the pathogenesis of CHARGE syndrome (OMIM:214800). To conclude, the variant is classified as likely pathogenic (ACMG PVS1, PM2).

Literature cited by the submitters: PubMed 40393452 (cited by Institute for Genomic Medicine (IGM) Clinical Laboratory, Nationwide Children's Hospital); PubMed 22722829 (cited by Institute for Genomic Medicine (IGM) Clinical Laboratory, Nationwide Children's Hospital); PubMed 28726821 (cited by Institute for Genomic Medicine (IGM) Clinical Laboratory, Nationwide Children's Hospital); PubMed 33741928 (cited by Institute for Genomic Medicine (IGM) Clinical Laboratory, Nationwide Children's Hospital); PubMed 19021638 (cited by Molecular Genetics Laboratory, Motol Hospital); PubMed 10590394 (cited by Molecular Genetics Laboratory, Motol Hospital); PubMed 6489378 (cited by Molecular Genetics Laboratory, Motol Hospital); PubMed 16400610 (cited by Molecular Genetics Laboratory, Motol Hospital).

NM_017780.4(CHD7):c.4853G>A (p.Trp1618Ter)

Gene: CHD7 (chromodomain helicase DNA binding protein 7; plus strand). Cytogenetic location: 8q12.2.
Variant type: single nucleotide variant.
Coding change: c.4853G>A on transcript NM_017780.4 (MANE Select); coding-DNA position 4853, G replaced by A.
Protein change: p.Trp1618Ter; replaces tryptophan 1618 with a stop codon.
Molecular consequence: nonsense. On other transcripts: intron variant (1).
Genome position (GRCh38, 1-based): chr8:60,844,866, G>A. VCF-style: chr8-60844866-G-A. GRCh37 (hg19) VCF-style: chr8-61757425-G-A.
Other names: c.1717-17363G>A (NM_001316690.1); short protein forms W1618*.
Identifiers: ClinVar variation 3367161 (VCV003367161.3).